The following is an entry in ClinVar:

ClinVar aggregate classification (germline): Uncertain significance. Review status: criteria provided, single submitter (1 of 4 stars). 2 submissions from 2 submitters: Uncertain significance (1). 1 of the submissions does not count toward it. Last evaluated 2025-05-13.

Conditions:
MTHFD1-related disorder. Also called: MTHFD1-related condition.

Submissions (2):

Labcorp Genetics (formerly Invitae), Labcorp
Classification: Uncertain significance. Last evaluated: 2025-05-13. Review status: criteria provided, single submitter. Criteria: Invitae Variant Classification Sherloc (09022015). Collection method: clinical testing. Allele origin: germline.
Comment: This sequence change replaces threonine, which is neutral and polar, with arginine, which is basic and polar, at codon 279 of the MTHFD1 protein (p.Thr279Arg). This variant is not present in population databases (gnomAD no frequency). This variant has not been reported in the literature in individuals affected with MTHFD1-related conditions. ClinVar contains an entry for this variant (Variation ID: 3354145). Invitae Evidence Modeling of protein sequence and biophysical properties (such as structural, functional, and spatial information, amino acid conservation, physicochemical variation, residue mobility, and thermodynamic stability) indicates that this missense variant is expected to disrupt MTHFD1 protein function with a positive predictive value of 80%. In summary, the available evidence is currently insufficient to determine the role of this variant in disease. Therefore, it has been classified as a Variant of Uncertain Significance.

PreventionGenetics, part of Exact Sciences
Classification: Uncertain significance for MTHFD1-related condition. Last evaluated: 2024-08-10. Review status: no assertion criteria provided. Collection method: clinical testing. Allele origin: germline. Not counted in ClinVar's aggregate classification.
Comment: The MTHFD1 c.836C>G variant is predicted to result in the amino acid substitution p.Thr279Arg. To our knowledge, this variant has not been reported in the literature or in a large population database, indicating this variant is rare. At this time, the clinical significance of this variant is uncertain due to the absence of conclusive functional and genetic evidence.

NM_005956.4(MTHFD1):c.836C>G (p.Thr279Arg)

Gene: MTHFD1 (methylenetetrahydrofolate dehydrogenase, cyclohydrolase and formyltetrahydrofolate synthetase 1; plus strand). Cytogenetic location: 14q23.3.
Variant type: single nucleotide variant.
Coding change: c.836C>G on transcript NM_005956.4 (MANE Select); coding-DNA position 836, C replaced by G.
Protein change: p.Thr279Arg; replaces threonine 279 with arginine.
Molecular consequence: missense variant.
Genome position (GRCh38, 1-based): chr14:64,424,912, C>G. VCF-style: chr14-64424912-C-G. GRCh37 (hg19) VCF-style: chr14-64891630-C-G.
Other names: c.836C>G, p.Thr279Arg (NM_001364837.1); short protein forms T279R.
Identifiers: ClinVar variation 3354145 (VCV003354145.2).